The following is an entry in ClinVar:

ClinVar aggregate classification (germline): Uncertain significance (1 of 4 stars; one submission).

Submission:

Women's Health and Genetics/Laboratory Corporation of America, LabCorp
Classification: Uncertain significance. Last evaluated: 2024-05-28. Review status: criteria provided, single submitter. Criteria: LabCorp Variant Classification Summary - May 2015. Collection method: clinical testing. Allele origin: germline.
Comment: Variant summary: TRPV4 c.1544T>C (p.Val515Ala) results in a non-conservative amino acid change located in the Ion transport domain IIPR005821) of the encoded protein sequence. Four of five in-silico tools predict a damaging effect of the variant on protein function. The variant was absent in 242390 control chromosomes. The available data on variant occurrences in the general population are insufficient to allow any conclusion about variant significance. To our knowledge, no occurrence of c.1544T>C in individuals affected with TRPV4-Related Hereditary Motor And Sensory Neuropathy and no experimental evidence demonstrating its impact on protein function have been reported. No submitters have cited clinical-significance assessments for this variant to ClinVar. Based on the evidence outlined above, the variant was classified as uncertain significance.

NM_021625.5(TRPV4):c.1544T>C (p.Val515Ala)

Gene: TRPV4 (transient receptor potential cation channel subfamily V member 4; minus strand). Cytogenetic location: 12q24.11.
Variant type: single nucleotide variant.
Coding change: c.1544T>C on transcript NM_021625.5 (MANE Select); coding-DNA position 1544, T replaced by C.
Protein change: p.Val515Ala; replaces valine 515 with alanine.
Molecular consequence: missense variant.
Genome position (GRCh38, 1-based): chr12:109,793,970, A>G on the plus strand (T>C on the coding strand, the complement: TRPV4 is on the minus strand). VCF-style: chr12-109793970-A-G. GRCh37 (hg19) VCF-style: chr12-110231775-A-G.
Other names: c.1403T>C, p.Val468Ala (NM_001177428.2); c.1442T>C, p.Val481Ala (NM_001177431.2); c.1223T>C, p.Val408Ala (NM_001177433.2); c.1364T>C, p.Val455Ala (NM_147204.3); short protein forms V408A, V455A, V468A, V481A, V515A.
Identifiers: ClinVar variation 3336360 (VCV003336360.1).